The following is an entry in ClinVar:

ClinVar aggregate classification (germline): Uncertain significance (1 of 4 stars; one submission).

Submission:

Labcorp Genetics (formerly Invitae), Labcorp
Classification: Uncertain significance. Last evaluated: 2022-10-18. Review status: criteria provided, single submitter. Criteria: Invitae Variant Classification Sherloc (09022015). Collection method: clinical testing. Allele origin: germline.
Comment: This sequence change replaces leucine, which is neutral and non-polar, with valine, which is neutral and non-polar, at codon 131 of the LMBR1 protein (p.Leu131Val). In summary, the available evidence is currently insufficient to determine the role of this variant in disease. Therefore, it has been classified as a Variant of Uncertain Significance. Advanced modeling of protein sequence and biophysical properties (such as structural, functional, and spatial information, amino acid conservation, physicochemical variation, residue mobility, and thermodynamic stability) performed at Invitae indicates that this missense variant is not expected to disrupt LMBR1 protein function. ClinVar contains an entry for this variant (Variation ID: 1414481). This variant has not been reported in the literature in individuals affected with LMBR1-related conditions. This variant is not present in population databases (gnomAD no frequency).

NM_022458.4(LMBR1):c.391C>G (p.Leu131Val)

Gene: LMBR1 (limb development membrane protein 1; minus strand). Cytogenetic location: 7q36.3.
Variant type: single nucleotide variant.
Coding change: c.391C>G on transcript NM_022458.4 (MANE Select); coding-DNA position 391, C replaced by G.
Protein change: p.Leu131Val; replaces leucine 131 with valine.
Molecular consequence: missense variant. On other transcripts: 5 prime UTR variant (4), non-coding transcript variant (2).
Genome position (GRCh38, 1-based): chr7:156,796,421, G>C on the plus strand (C>G on the coding strand, the complement: LMBR1 is on the minus strand). VCF-style: chr7-156796421-G-C. GRCh37 (hg19) VCF-style: chr7-156589115-G-C.
Other names: c.391C>G, p.Leu131Val (NM_001350953.2, NM_001363409.2, NM_001363410.2); c.112C>G, p.Leu38Val (NM_001350954.2); c.-144C>G (NM_001350955.2, NM_001350956.2, NM_001350958.2 and 1 more transcripts); c.22C>G, p.Leu8Val (NM_001350957.2, NM_001363411.2); c.328C>G, p.Leu110Val (NM_001363412.2); short protein forms L110V, L38V, L8V, L131V.
Identifiers: ClinVar variation 1414481 (VCV001414481.8), dbSNP rs552587687, ClinGen allele CA370205287.